The following is an entry in ClinVar:

ClinVar aggregate classification (germline): Pathogenic/Likely pathogenic. Review status: criteria provided, multiple submitters, no conflicts (2 of 4 stars). 2 submissions from 2 submitters: Pathogenic (1); Likely pathogenic (1). Last evaluated 2025-11-03.

Conditions:
Usher syndrome type 1B (USH1B). Also called: Usher syndrome type IB. Identifiers: MedGen C1848638, MONDO:0700087.

Allele frequency attached by ClinVar (database versions not stated): gnomAD exomes 0.00001; ExAC 0.00003; ESP Exome Variant Server 0.00008; gnomAD 0.00001.
gnomAD v4.1: 1 of 1,578,388 alleles (0.000063%); highest among the groups gnomAD compares: African/African-American, 0.0014%; no homozygotes.

Submissions (2):

Natera, Inc.
Classification: Likely pathogenic for Usher syndrome type 1B. Last evaluated: 2025-11-03. Review status: criteria provided, single submitter. Criteria: Natera Variant Classification Schema (03/2026). Collection method: clinical testing. Allele origin: germline.
Comment: The c.5458C>T variant in MYO7A is a nonsense variant predicted to introduce a stop codon at amino acid 1820. This variant is expected to result in nonsense mediated decay, truncation, or a dysfunctional protein product. This variant is rare in the general population with a frequency below the threshold expected for the associated phenotype(s). Given the available evidence, this variant is classified as Likely Pathogenic.

Labcorp Genetics (formerly Invitae), Labcorp
Classification: Pathogenic. Last evaluated: 2023-07-20. Review status: criteria provided, single submitter. Criteria: Invitae Variant Classification Sherloc (09022015). Collection method: clinical testing. Allele origin: germline.
Comment: This sequence change creates a premature translational stop signal (p.Gln1820*) in the MYO7A gene. It is expected to result in an absent or disrupted protein product. Loss-of-function variants in MYO7A are known to be pathogenic (PMID: 8900236, 25404053). For these reasons, this variant has been classified as Pathogenic. ClinVar contains an entry for this variant (Variation ID: 849694). This variant has not been reported in the literature in individuals affected with MYO7A-related conditions. This variant is not present in population databases (gnomAD no frequency).

Literature cited by the submitters: PubMed 8900236 (cited by Labcorp Genetics (formerly Invitae), Labcorp); PubMed 25404053 (cited by Labcorp Genetics (formerly Invitae), Labcorp).

NM_000260.4(MYO7A):c.5458C>T (p.Gln1820Ter)

Gene: MYO7A (myosin VIIA; plus strand). Cytogenetic location: 11q13.5.
Variant type: single nucleotide variant.
Coding change: c.5458C>T on transcript NM_000260.4 (MANE Select); coding-DNA position 5458, C replaced by T.
Protein change: p.Gln1820Ter; replaces glutamine 1820 with a stop codon.
Molecular consequence: nonsense.
Genome position (GRCh38, 1-based): chr11:77,204,207, C>T. VCF-style: chr11-77204207-C-T. GRCh37 (hg19) VCF-style: chr11-76915252-C-T.
Other names: c.5344C>T, p.Gln1782Ter (NM_001127180.2); c.5311C>T, p.Gln1771Ter (NM_001369365.1); short protein forms Q1771*, Q1782*, Q1820*.
Identifiers: ClinVar variation 849694 (VCV000849694.8), dbSNP rs369973293, ClinGen allele CA6198710.